The following is an entry in ClinVar:

NM_206933.4(USH2A):c.6485+5G>A

Gene: USH2A (usherin; minus strand). Cytogenetic location: 1q41.
Variant type: single nucleotide variant.
Coding change: c.6485+5G>A on transcript NM_206933.4 (MANE Select); 5 bases into the intron after coding-DNA position 6485, G replaced by A.
Molecular consequence: intron variant.
Genome position (GRCh38, 1-based): chr1:216,000,398, C>T on the plus strand (G>A on the coding strand, the complement: USH2A is on the minus strand). VCF-style: chr1-216000398-C-T. GRCh37 (hg19) VCF-style: chr1-216173740-C-T.
Identifiers: ClinVar variation 967685 (VCV000967685.13), dbSNP rs1668240410, ClinGen allele CA1139656562.

ClinVar aggregate classification (germline): Pathogenic. Review status: criteria provided, multiple submitters, no conflicts (2 of 4 stars). 4 submissions from 4 submitters: Pathogenic (4). Last evaluated 2025-03-21.

Conditions:
Retinitis pigmentosa 39 (RP39). Identifiers: Orphanet 791, MedGen C3151138, MONDO:0013436, OMIM 613809.
Usher syndrome. Also called: Usher Syndromes; Usher's syndrome. Identifiers: Orphanet 886, MedGen CN469326, MeSH D052245, MONDO:0019501. Disease mechanism: loss of function.
Usher syndrome type 2A. Also called: RETINAL DISEASE IN USHER SYNDROME TYPE IIA, MODIFIER OF; USHER SYNDROME, TYPE IIA. Identifiers: Orphanet 231178, Orphanet 886, MedGen C1848634, MONDO:0010169, OMIM 276901.

Submissions (4):

Women's Health and Genetics/Laboratory Corporation of America, LabCorp
Classification: Pathogenic for Usher syndrome. Last evaluated: 2025-03-21. Review status: criteria provided, single submitter. Criteria: LabCorp Variant Classification Summary - May 2015. Collection method: clinical testing. Allele origin: germline.
Comment: Variant summary: USH2A c.6485+5G>A alters a conserved nucleotide located close to a canonical splice site and therefore could affect mRNA splicing, leading to a significantly altered protein sequence. Several computational tools predict a significant impact on normal splicing: Two predict the variant abolishes a canonical 5' splicing donor site. Two predict the variant weakens a canonical 5' donor site. At least one publication reports experimental evidence that this variant affects mRNA splicing (Nakanishi_2010). The variant was absent in 250874 control chromosomes. c.6485+5G>A has been reported in the literature in individuals affected with Usher Syndrome (example: Nakanishi_2010, Meng_2021, Gao_2021). These data indicate that the variant is likely to be associated with disease. The following publications have been ascertained in the context of this evaluation (PMID: 32188678, 33124170, 20596040). ClinVar contains an entry for this variant (Variation ID: 967685). Based on the evidence outlined above, the variant was classified as pathogenic.

Labcorp Genetics (formerly Invitae), Labcorp
Classification: Pathogenic. Last evaluated: 2024-02-26. Review status: criteria provided, single submitter. Criteria: Invitae Variant Classification Sherloc (09022015). Collection method: clinical testing. Allele origin: germline.
Comment: This sequence change falls in intron 33 of the USH2A gene. It does not directly change the encoded amino acid sequence of the USH2A protein. RNA analysis indicates that this variant induces altered splicing and may result in an absent or disrupted protein product. This variant is not present in population databases (gnomAD no frequency). This variant has been observed in individual(s) with Usher syndrome and retinitis pigmentosa (PMID: 19737284, 29641573, 30280194). In at least one individual the data is consistent with being in trans (on the opposite chromosome) from a pathogenic variant. ClinVar contains an entry for this variant (Variation ID: 967685). Variants that disrupt the consensus splice site are a relatively common cause of aberrant splicing (PMID: 17576681, 9536098). Studies have shown that this variant results in skipping of exon 33 and introduces a premature termination codon (PMID: 20596040). The resulting mRNA is expected to undergo nonsense-mediated decay. For these reasons, this variant has been classified as Pathogenic.

Baylor Genetics
Classification: Pathogenic for Retinitis pigmentosa 39. Last evaluated: 2023-08-25. Review status: criteria provided, single submitter. Criteria: ACMG Guidelines, 2015. Collection method: clinical testing. Allele origin: unknown.

Juno Genomics, Hangzhou Juno Genomics, Inc
Classification: Pathogenic for Usher syndrome type 2A. Review status: criteria provided, single submitter. Criteria: ACMG Guidelines, 2015. Collection method: clinical testing. Allele origin: germline.
Comment: Absent from controls (or at extremely low frequency if recessive) in Genome Aggregation Database.;Null variant in a gene where loss of function (LOF) is a known mechanism of disease.;For recessive disorders, detected in trans with a pathogenic variant.

Literature cited by the submitters: PubMed 32188678 (cited by Women's Health and Genetics/Laboratory Corporation of America, LabCorp); PubMed 33124170 (cited by Women's Health and Genetics/Laboratory Corporation of America, LabCorp); PubMed 20596040 (cited by Women's Health and Genetics/Laboratory Corporation of America, LabCorp and Labcorp Genetics (formerly Invitae), Labcorp); PubMed 19737284 (cited by Labcorp Genetics (formerly Invitae), Labcorp); PubMed 29641573 (cited by Labcorp Genetics (formerly Invitae), Labcorp); PubMed 30280194 (cited by Labcorp Genetics (formerly Invitae), Labcorp); PubMed 17576681 (cited by Labcorp Genetics (formerly Invitae), Labcorp); PubMed 9536098 (cited by Labcorp Genetics (formerly Invitae), Labcorp).